The following is an entry in ClinVar:

ClinVar aggregate classification (germline): Pathogenic. Review status: criteria provided, multiple submitters, no conflicts (2 of 4 stars). 16 submissions from 15 submitters: Pathogenic (11). 5 of the submissions do not count toward it. Last evaluated 2026-04-21.

Conditions:
Differences in sex development.
POR-related disorder. Also called: POR-related condition.
Inborn genetic diseases. Identifiers: MedGen C0950123, MeSH D030342.
Antley-Bixler syndrome with genital anomalies and disordered steroidogenesis (ABS1). Also called: POR Deficiency. Identifiers: Orphanet 63269, MedGen C3150099, MONDO:0008726, OMIM 201750.
Congenital adrenal hyperplasia due to cytochrome P450 oxidoreductase deficiency. Also called: DISORDERED STEROIDOGENESIS DUE TO POR DEFICIENCY. Identifiers: Orphanet 95699, MedGen C1860042, MONDO:0013310, OMIM 613571.

Allele frequency attached by ClinVar (database versions not stated): gnomAD 0.00021 and 0.00023; ExAC 0.00022; gnomAD exomes 0.00024; TOPMed 0.00027; ESP Exome Variant Server 0.00032.
gnomAD v4.1: 503 of 1,612,888 alleles (0.031%); highest among the groups gnomAD compares: Non-Finnish European, 0.038%; no homozygotes.

Submissions (18):

Dasa
Classification: Pathogenic. Last evaluated: 2026-04-21. Review status: criteria provided, single submitter. Criteria: DASA Assertion Criteria. Collection method: clinical testing. Allele origin: germline.
Comment: NM_001395413.1(POR):c.850G>C (p.Ala284Pro) is a missense variant that results in the substitution of alanine with proline. Functional evidence supports a deleterious effect on the gene or gene product (PMID: 14758361; PMID: 18551037; PMID: 20940534; PMID: 15793702; PMID: 22162478). This variant has been recurrently observed in individuals with related phenotype (PMID: 14758361; PMID: 18551037; PMID: 20940534; PMID: 15793702; PMID: 22162478). Multiple computational predictions support a deleterious effect on the gene or gene product. The variant is present at low frequency in population datasets. Based on the available data, this variant is classified as pathogenic.

Labcorp Genetics (formerly Invitae), Labcorp
Classification: Pathogenic for Congenital adrenal hyperplasia due to cytochrome P450 oxidoreductase deficiency. Last evaluated: 2026-01-28. Review status: criteria provided, single submitter. Criteria: Invitae Variant Classification Sherloc (09022015). Collection method: clinical testing. Allele origin: germline.
Comment: This sequence change replaces alanine, which is neutral and non-polar, with proline, which is neutral and non-polar, at codon 287 of the POR protein (p.Ala287Pro). This variant is present in population databases (rs121912974, gnomAD 0.05%). This missense change has been observed in individuals with POR deficiency (PMID: 14758361, 22162478). ClinVar contains an entry for this variant (Variation ID: 16902). Invitae Evidence Modeling of protein sequence and biophysical properties (such as structural, functional, and spatial information, amino acid conservation, physicochemical variation, residue mobility, and thermodynamic stability) indicates that this missense variant is expected to disrupt POR protein function with a positive predictive value of 80%. Experimental studies have shown that this missense change affects POR function (PMID: 14758361, 18551037, 20940534, 21741353). For these reasons, this variant has been classified as Pathogenic.

NHS Central & South Genomic Laboratory Hub
Classification: Pathogenic for Differences in sex development. Last evaluated: 2025-10-21. Review status: criteria provided, single submitter. Criteria: ACMG Guidelines, 2015. Collection method: clinical testing. Allele origin: germline. Affected: yes.

Ambry Genetics
Classification: Pathogenic for Inborn genetic diseases. Last evaluated: 2025-04-01. Review status: criteria provided, single submitter. Criteria: Ambry Variant Classification Scheme 2023. Collection method: clinical testing. Allele origin: germline.
Comment: The c.859G>C (p.A287P) alteration is located in exon 9 (coding exon 8) of the POR gene. This alteration results from a G to C substitution at nucleotide position 859, causing the alanine (A) at amino acid position 287 to be replaced by a proline (P). Based on data from gnomAD, the C allele has an overall frequency of 0.024% (66/280380) total alleles studied. The highest observed frequency was 0.052% (13/25022) of European (Finnish) alleles. This variant has been identified in the homozygous state and/or in conjunction with other POR variants in individuals with features consistent with Antley-Bixler syndrome with genital anomalies and disordered steroidogenesis; in at least one instance, the variants were identified in trans (Fl&uuml;ck, 2004; Krone, 2012; Oldani, 2015; Bonamichi, 2016). This amino acid position is well conserved in available vertebrate species. This alteration is predicted to be deleterious by in silico analysis. Based on the available evidence, this alteration is classified as pathogenic.

Blueprint Genetics
Classification: Pathogenic for POR-related disorders. Last evaluated: 2024-11-19. Review status: criteria provided, single submitter. Criteria: ACMG Guidelines, 2015. Collection method: clinical testing. Allele origin: germline. Affected: yes. Observed: 5 variant alleles.

Fulgent Genetics
Classification: Pathogenic for Antley-Bixler syndrome with genital anomalies and disordered steroidogenesis; Congenital adrenal hyperplasia due to cytochrome P450 oxidoreductase deficiency. Last evaluated: 2024-02-08. Review status: criteria provided, single submitter. Criteria: ACMG Guidelines, 2015. Collection method: clinical testing. Allele origin: germline.

Laboratorio de Genetica e Diagnostico Molecular, Hospital Israelita Albert Einstein
Classification: Pathogenic for Antley-Bixler syndrome with genital anomalies and disordered steroidogenesis. Last evaluated: 2023-01-12. Review status: criteria provided, single submitter. Criteria: ACMG Guidelines, 2015. Collection method: clinical testing. Allele origin: germline. Affected: yes. Observed: 1 variant allele.
Comment: ACMG classification criteria: PS3 supporting, PM3 very strong, PP3 supporting

GeneDx
Classification: Pathogenic. Last evaluated: 2022-11-21. Review status: criteria provided, single submitter. Criteria: GeneDx Variant Classification Process June 2021. Collection method: clinical testing. Allele origin: germline. Affected: yes.
Comment: Published functional studies demonstrate a decreased rate of flavin reduction and conformational protein instability leading to proteolytic susceptibility (Jin et al., 2015; McCammon et al., 2016); In silico analysis supports that this missense variant has a deleterious effect on protein structure/function; This variant is associated with the following publications: (PMID: 21741353, 20732302, 22252407, 19621255, 15793702, 17389698, 19837910, 17505056, 17635179, 16495354, 17062779, 25728647, 18551037, 20697309, 20940534, 22547083, 22719896, 14758361, 26969897, 26670660, 27496950, 18259105, 12116245, 15220035, 31230720, 31837199, 31980526, 32242900, 34426522, 31589614, 31128914, 35842891, 22162478, 21190981)

Victorian Clinical Genetics Services, Murdoch Childrens Research Institute
Classification: Pathogenic for Congenital adrenal hyperplasia due to cytochrome P450 oxidoreductase deficiency. Last evaluated: 2022-02-02. Review status: criteria provided, single submitter. Criteria: ACMG Guidelines, 2015. Collection method: clinical testing. Allele origin: germline. Inheritance: Autosomal recessive inheritance. Affected: yes.
Comment: Based on the classification scheme VCGS_Germline_v1.3.4, this variant is classified as Pathogenic. Following criteria are met: 0102 - Loss of function is a known mechanism of disease in this gene and is associated with Antley-Bixler syndrome with genital anomalies and disordered steroidogenesis (MIM#201750), and disordered steroidogenesis due to cytochrome P450 oxidoreductase (MIM#613571). (I) 0106 - This gene is associated with autosomal recessive disease. (I) 0200 - Variant is predicted to result in a missense amino acid change from alanine to proline. (I) 0251 - This variant is heterozygous. (I) 0304 - Variant is present in gnomAD (v2) <0.01 for a recessive condition (66 heterozygotes, 0 homozygotes). (SP) 0502 - Missense variant with conflicting in silico predictions and uninformative conservation. (I) 0600 - Variant is located in the annotated FAD-binding FR-type domain (Uniprot). (I) 0801 - This variant has strong previous evidence of pathogenicity in unrelated individuals. This variant has been reported as pathogenic, and has been observed in many homozygous and compound heterozygous patients with P450 oxidoreductase deficiency. It is regarded as the most common variant in Caucasian populations, and results in a mild-moderate form of disease (ClinVar, PMID: 27068427, PMID: 22162478). (SP) 1002 - This variant has moderate functional evidence supporting abnormal protein function. Functional assays have demonstrated that this variant causes significant reductions in enzyme activity and steroid biosynthesis (PMID: 27068427). (I) Legend: (SP) - Supporting pathogenic, (I) - Information, (SB) - Supporting benign

Daryl Scott Lab, Baylor College of Medicine
Classification: Pathogenic for POR-related disorder. Last evaluated: 2022-02-01. Review status: criteria provided, single submitter. Criteria: ACMG Guidelines, 2015. Collection method: clinical testing. Allele origin: biparental. Affected: yes. Observed: 1 variant allele, 1 compound heterozygote.

Revvity Omics, Revvity
Classification: Pathogenic. Last evaluated: 2020-10-04. Review status: criteria provided, single submitter. Criteria: ACMG Guidelines, 2015. Collection method: clinical testing. Allele origin: germline.

PreventionGenetics, part of Exact Sciences
Classification: Pathogenic for POR-related condition. Last evaluated: 2024-08-12. Review status: no assertion criteria provided. Collection method: clinical testing. Allele origin: germline. Not counted in ClinVar's aggregate classification.
Comment: The POR c.859G>C variant is predicted to result in the amino acid substitution p.Ala287Pro. This variant has been reported to be the most common pathogenic POR variant found in patients of European ancestry with P450 oxidoreductase deficiency (see for example, Fluck et al. 2004. PubMed ID: 14758361; Krone et al. 2012. PubMed ID: 22162478). This variant is reported in 0.05% of alleles in individuals of European (Finnish) descent in gnomAD. This variant is interpreted as pathogenic.

OMIM
Classification: Pathogenic for ANTLEY-BIXLER SYNDROME WITH GENITAL ANOMALIES AND DISORDERED STEROIDOGENESIS. Last evaluated: 2005-05-01. Review status: no assertion criteria provided. Collection method: literature only. Allele origin: germline. Not counted in ClinVar's aggregate classification.

OMIM
Classification: Pathogenic for DISORDERED STEROIDOGENESIS DUE TO CYTOCHROME P450 OXIDOREDUCTASE DEFICIENCY. Last evaluated: 2005-05-01. Review status: no assertion criteria provided. Collection method: literature only. Allele origin: germline. Not counted in ClinVar's aggregate classification.

Dr. Peter K. Rogan Lab, Western University
No classification provided (evidence only). Condition: Cervical cancer. Review status: no classification provided. Collection method: in vitro. Allele origin: not applicable. Functional consequence: retained intron. Not counted in ClinVar's aggregate classification.

Dr. Peter K. Rogan Lab, Western University
No classification provided (evidence only). Condition: Sarcoma. Review status: no classification provided. Collection method: in vitro. Allele origin: not applicable. Functional consequence: retained intron. Not counted in ClinVar's aggregate classification.

GeneReviews
No classification provided. Condition: Congenital adrenal hyperplasia due to cytochrome P450 oxidoreductase deficiency. Review status: no classification provided. Collection method: literature only. Allele origin: germline. Not counted in ClinVar's aggregate classification.

Lupski Lab, Baylor-Hopkins CMG, Baylor College of Medicine
Classification: Uncertain significance for Antley-Bixler syndrome with genital anomalies and disordered steroidogenesis. Review status: no assertion criteria provided. Collection method: research. Allele origin: inherited. Inheritance: Autosomal recessive inheritance. Affected: yes. Observed: 3 variant alleles, 2 heterozygotes, 1 homozygote. Not counted in ClinVar's aggregate classification.

Literature cited by the submitters: PubMed 14758361 (cited by 4 submitters); PubMed 18551037 (cited by Dasa and Labcorp Genetics (formerly Invitae), Labcorp); PubMed 20940534 (cited by Dasa and Labcorp Genetics (formerly Invitae), Labcorp); PubMed 15793702 (cited by Dasa and OMIM); PubMed 22162478 (cited by 4 submitters); PubMed 21741353 (cited by Labcorp Genetics (formerly Invitae), Labcorp); PubMed 26670660 (cited by Ambry Genetics); PubMed 27737328 (cited by Ambry Genetics); PubMed 27068427 (cited by Victorian Clinical Genetics Services, Murdoch Childrens Research Institute); PubMed 36474027 (cited by Daryl Scott Lab, Baylor College of Medicine); PubMed 12116245 (cited by OMIM); PubMed 15220035 (cited by OMIM); PubMed 20188793 (cited by GeneReviews).

NM_001395413.1(POR):c.850G>C (p.Ala284Pro)

Genes: POR (cytochrome p450 oxidoreductase; plus strand), LOC126860075 (CDK7 strongly-dependent group 2 enhancer GRCh37_chr7:75612087-75613286; plus strand). Cytogenetic location: 7q11.23.
Variant type: single nucleotide variant.
Coding change: c.850G>C on transcript NM_001395413.1 (MANE Select); coding-DNA position 850, G replaced by C.
Protein change: p.Ala284Pro; replaces alanine 284 with proline.
Molecular consequence: missense variant.
Genome position (GRCh38, 1-based): chr7:75,983,548, G>C. VCF-style: chr7-75983548-G-C. GRCh37 (hg19) VCF-style: chr7-75612866-G-C.
Other names: A287P; A284P; c.859G>C (NM_000941.3); c.850G>C, p.Ala284Pro (NM_001367562.3, NM_001382657.2, NM_001382658.3 and 2 more transcripts); c.904G>C, p.Ala302Pro (NM_001382655.3); short protein forms A302P.
Identifiers: ClinVar variation 16902 (VCV000016902.26), dbSNP rs121912974, ClinGen allele CA257653.